The following is an entry in ClinVar:

NM_013275.6(ANKRD11):c.2087A>C (p.Lys696Thr)

Gene: ANKRD11 (ankyrin repeat domain 11; minus strand). Cytogenetic location: 16q24.3.
Variant type: single nucleotide variant.
Coding change: c.2087A>C on transcript NM_013275.6 (MANE Select); coding-DNA position 2087, A replaced by C.
Protein change: p.Lys696Thr; replaces lysine 696 with threonine.
Molecular consequence: missense variant.
Genome position (GRCh38, 1-based): chr16:89,284,455, T>G on the plus strand (A>C on the coding strand, the complement: ANKRD11 is on the minus strand). VCF-style: chr16-89284455-T-G. GRCh37 (hg19) VCF-style: chr16-89350863-T-G.
Other names: c.2087A>C (NM_013275.4, NM_013275.5); c.2087A>C, p.Lys696Thr (NM_001256182.2, NM_001256183.2); short protein forms K696T.
Identifiers: ClinVar variation 2162568 (VCV002162568.10), dbSNP rs773188476, ClinGen allele CA8242635.
Genomic context (GRCh38, chr16:89,284,455, plus strand): 5'-TTTTCATCTTTAAAGAGCCATTCTTTTTCTTCTAATTTCATTTTGCTAAGTTTCTCTTCT[T>G]TTTTAAAGTGGTCGCGATCGTGCTTTAACACTTTTAGCTTGTTTTCAGTGGAAAGATCAT-3'
Protein context (NP_037407.4, residues 686-706): VLKHDRDHFK[Lys696Thr]EEKLSKMKLE

ClinVar aggregate classification (germline): Conflicting classifications of pathogenicity. Review status: criteria provided, conflicting classifications (1 of 4 stars). 6 submissions from 6 submitters: Uncertain significance (2); Likely benign (3). 1 of the submissions does not count toward it. Last evaluated 2025-05-08.

Conditions:
Inborn genetic diseases. Identifiers: MedGen C0950123, MeSH D030342.
KBG syndrome (KBGS). Also called: ANKRD11-Related KBG Syndrome. Identifiers: Orphanet 2332, MedGen C0220687, MONDO:0007846, OMIM 148050.
ANKRD11-related disorder. Also called: ANKRD11-related condition.

Allele frequency attached by ClinVar (database versions not stated): TOPMed 0.00002; ExAC 0.00003; gnomAD exomes 0.00003; gnomAD 0.00005.
gnomAD v4.1: 54 of 1,613,864 alleles (0.0033%); highest among the groups gnomAD compares: Non-Finnish European, 0.0044%; no homozygotes.

Submissions (6):

Women's Health and Genetics/Laboratory Corporation of America, LabCorp
Classification: Uncertain significance. Last evaluated: 2025-05-08. Review status: criteria provided, single submitter. Criteria: LabCorp Variant Classification Summary - May 2015. Collection method: clinical testing. Allele origin: germline.
Comment: Variant summary: ANKRD11 c.2087A>C (p.Lys696Thr) results in a non-conservative amino acid change in the encoded protein sequence. Algorithms developed to predict the effect of missense changes on protein structure and function are either unavailable or do not agree on the potential impact of this missense change. The variant allele was found at a frequency of 2.4e-05 in 251118 control chromosomes. The available data on variant occurrences in the general population are insufficient to allow any conclusion about variant significance. To our knowledge, no occurrence of c.2087A>C in individuals affected with KBG Syndrome and no experimental evidence demonstrating its impact on protein function have been reported. ClinVar contains an entry for this variant (Variation ID: 2162568). Based on the evidence outlined above, the variant was classified as uncertain significance.

Laboratory of Genetics, Children's Clinical University Hospital Latvia
Classification: Likely benign. Last evaluated: 2025-02-16. Review status: criteria provided, single submitter. Criteria: ACMG Guidelines, 2015. Collection method: clinical testing. Allele origin: germline. Affected: yes.

Labcorp Genetics (formerly Invitae), Labcorp
Classification: Uncertain significance for KBG syndrome. Last evaluated: 2025-02-04. Review status: criteria provided, single submitter. Criteria: Invitae Variant Classification Sherloc (09022015). Collection method: clinical testing. Allele origin: germline.
Comment: This sequence change replaces lysine, which is basic and polar, with threonine, which is neutral and polar, at codon 696 of the ANKRD11 protein (p.Lys696Thr). This variant is present in population databases (rs773188476, gnomAD 0.006%). This variant has not been reported in the literature in individuals affected with ANKRD11-related conditions. ClinVar contains an entry for this variant (Variation ID: 2162568). Invitae Evidence Modeling of protein sequence and biophysical properties (such as structural, functional, and spatial information, amino acid conservation, physicochemical variation, residue mobility, and thermodynamic stability) indicates that this missense variant is not expected to disrupt ANKRD11 protein function with a negative predictive value of 95%. In summary, the available evidence is currently insufficient to determine the role of this variant in disease. Therefore, it has been classified as a Variant of Uncertain Significance.

Ambry Genetics
Classification: Likely benign for Inborn genetic diseases. Last evaluated: 2024-12-23. Review status: criteria provided, single submitter. Criteria: Ambry Variant Classification Scheme 2023. Collection method: clinical testing. Allele origin: germline.

Blueprint Genetics
Classification: Likely benign. Last evaluated: 2024-09-05. Review status: criteria provided, single submitter. Criteria: ACMG Guidelines, 2015. Collection method: clinical testing. Allele origin: germline.

PreventionGenetics, part of Exact Sciences
Classification: Uncertain significance for ANKRD11-related condition. Last evaluated: 2024-02-27. Review status: no assertion criteria provided. Collection method: clinical testing. Allele origin: germline. Not counted in ClinVar's aggregate classification.
Comment: The ANKRD11 c.2087A>C variant is predicted to result in the amino acid substitution p.Lys696Thr. To our knowledge, this variant has not been reported in the literature. This variant is reported in 0.0054% of alleles in individuals of European (non-Finnish) descent in gnomAD. At this time, the clinical significance of this variant is uncertain due to the absence of conclusive functional and genetic evidence.